The following is an entry in ClinVar:

NM_020191.4(MRPS22):c.172+476C>T

Gene: MRPS22 (mitochondrial ribosomal protein S22; plus strand). Cytogenetic location: 3q23.
Variant type: single nucleotide variant.
Coding change: c.172+476C>T on transcript NM_020191.4 (MANE Select); 476 bases into the intron after coding-DNA position 172, C replaced by T.
Molecular consequence: intron variant. On other transcripts: missense variant (1).
Genome position (GRCh38, 1-based): chr3:139,344,674, C>T. VCF-style: chr3-139344674-C-T. GRCh37 (hg19) VCF-style: chr3-139063516-C-T.
Other names: c.5C>T, p.Ser2Phe (NM_001363857.1); c.172+476C>T (NM_001363893.1); short protein forms S2F.
Identifiers: ClinVar variation 3034660 (VCV003034660.2), dbSNP rs139438591, ClinGen allele CA2640641.
Genomic context (GRCh38, chr3:139,344,674, plus strand): 5'-GTTAGCCATGCTAAGGAGAAAGCAAGAAGCTTCTCAAGCATAGGGGACAGTAGCAGATGT[C>T]CAGAAATGAGACTGAGCACAGATATTTGGGAACCCATTTTGGAGGTAGGATTGATAAGGC-3'

ClinVar aggregate classification (germline): Likely benign (0 of 4 stars; one submission).

Conditions:
MRPS22-related disorder. Also called: MRPS22-related condition.

Allele frequency attached by ClinVar (database versions not stated): gnomAD exomes 0.00018; ExAC 0.00019; 1000 Genomes Project 30x 0.00141; gnomAD 0.00151; 1000 Genomes Project 0.00160; TOPMed 0.00164.
gnomAD v4.1: 322 of 700,338 alleles (0.046%); highest among the groups gnomAD compares: African/African-American, 0.52%; 2 homozygotes.

Submission:

PreventionGenetics, part of Exact Sciences
Classification: Likely benign for MRPS22-related condition. Last evaluated: 2019-07-30. Review status: no assertion criteria provided. Collection method: clinical testing. Allele origin: germline.
Comment: This variant is classified as likely benign based on ACMG/AMP sequence variant interpretation guidelines (Richards et al. 2015 PMID: 25741868, with internal and published modifications).